The following is an entry in ClinVar:

NM_001395002.1(MAP4K4):c.794T>C (p.Phe265Ser)

Gene: MAP4K4 (mitogen-activated protein kinase kinase kinase kinase 4; plus strand). Cytogenetic location: 2q11.2.
Variant type: single nucleotide variant.
Coding change: c.794T>C on transcript NM_001395002.1 (MANE Select); coding-DNA position 794, T replaced by C.
Protein change: p.Phe265Ser; replaces phenylalanine 265 with serine.
Molecular consequence: missense variant. On other transcripts: non-coding transcript variant (4).
Genome position (GRCh38, 1-based): chr2:101,839,839, T>C. VCF-style: chr2-101839839-T-C. GRCh37 (hg19) VCF-style: chr2-102456301-T-C.
Other names: c.794T>C, p.Phe265Ser (NM_001242559.2, NM_001242560.2, NM_001384476.1 and 28 more transcripts); c.767T>C, p.Phe256Ser (NM_001384549.1, NM_001384550.1, NM_001384551.1 and 16 more transcripts); short protein forms F256S, F265S.
Identifiers: ClinVar variation 4528229 (VCV004528229.1).

ClinVar aggregate classification (germline): Uncertain significance (1 of 4 stars; one submission).

Submission:

GeneDx
Classification: Uncertain significance. Last evaluated: 2025-05-09. Review status: criteria provided, single submitter. Criteria: GeneDx Variant Classification Process June 2021. Collection method: clinical testing. Allele origin: germline. Affected: yes.
Comment: Not observed at significant frequency in large population cohorts (gnomAD); In silico analysis supports that this missense variant has a deleterious effect on protein structure/function; Has not been previously published as pathogenic or benign to our knowledge